The following is an entry in ClinVar:

NM_015450.3(POT1):c.1354C>G (p.Leu452Val)

Gene: POT1 (protection of telomeres 1; minus strand). Cytogenetic location: 7q31.33.
Variant type: single nucleotide variant.
Coding change: c.1354C>G on transcript NM_015450.3 (MANE Select); coding-DNA position 1354, C replaced by G.
Protein change: p.Leu452Val; replaces leucine 452 with valine.
Molecular consequence: missense variant. On other transcripts: non-coding transcript variant (3).
Genome position (GRCh38, 1-based): chr7:124,840,988, G>C on the plus strand (C>G on the coding strand, the complement: POT1 is on the minus strand). VCF-style: chr7-124840988-G-C. GRCh37 (hg19) VCF-style: chr7-124481042-G-C.
Other names: c.961C>G, p.Leu321Val (NM_001042594.2); short protein forms L321V, L452V.
Identifiers: ClinVar variation 4673789 (VCV004673789.1).

ClinVar aggregate classification (germline): Uncertain significance (1 of 4 stars; one submission).

Conditions:
Hereditary cancer-predisposing syndrome. Also called: Neoplastic Syndromes, Hereditary; Tumor predisposition; Hereditary Cancer Syndrome; Hereditary neoplastic syndrome. Identifiers: Orphanet 140162, MedGen C0027672, MeSH D009386, MONDO:0015356.

Submission:

Ambry Genetics
Classification: Uncertain significance for Hereditary cancer-predisposing syndrome. Last evaluated: 2025-11-09. Review status: criteria provided, single submitter. Criteria: Ambry Variant Classification Scheme 2023. Collection method: clinical testing. Allele origin: germline.
Comment: The p.L452V variant (also known as c.1354C>G), located in coding exon 10 of the POT1 gene, results from a C to G substitution at nucleotide position 1354. The leucine at codon 452 is replaced by valine, an amino acid with highly similar properties. This amino acid position is conserved. In addition, this alteration is predicted to be tolerated by in silico analysis. Based on the available evidence, the clinical significance of this variant remains unclear.